The following is an entry in ClinVar:

ClinVar aggregate classification (germline): Likely benign (1 of 4 stars; one submission).

Allele frequency attached by ClinVar (database versions not stated): TOPMed 0.01107; 1000 Genomes Project 0.01218; 1000 Genomes Project 30x 0.01312.
gnomAD v4.1: 1,583 of 151,982 alleles (1%); highest among the groups gnomAD compares: African/African-American, 3.6%; 18 homozygotes.

Submission:

GeneDx
Classification: Likely benign. Last evaluated: 2018-06-14. Review status: criteria provided, single submitter. Criteria: GeneDx Variant Classification (06012015). Collection method: clinical testing. Allele origin: germline. Affected: yes.
Comment: This variant is considered likely benign or benign based on one or more of the following criteria: it is a conservative change, it occurs at a poorly conserved position in the protein, it is predicted to be benign by multiple in silico algorithms, and/or has population frequency not consistent with disease.

NM_001199107.2(TBC1D24):c.1206+205G>T

Gene: TBC1D24 (TBC1 domain family member 24; plus strand). Cytogenetic location: 16p13.3.
Variant type: single nucleotide variant.
Coding change: c.1206+205G>T on transcript NM_001199107.2 (MANE Select); 205 bases into the intron after coding-DNA position 1206, G replaced by T.
Molecular consequence: intron variant.
Genome position (GRCh38, 1-based): chr16:2,499,625, G>T. VCF-style: chr16-2499625-G-T. GRCh37 (hg19) VCF-style: chr16-2549626-G-T.
Other names: c.1188+205G>T (NM_020705.3).
Identifiers: ClinVar variation 678164 (VCV000678164.1), dbSNP rs114810921, ClinGen allele CA276809934.